The following is an entry in ClinVar:

NM_004804.3(CIAO1):c.655C>T (p.Arg219Cys)

Gene: CIAO1 (cytosolic iron-sulfur assembly component 1; plus strand). Cytogenetic location: 2q11.2.
Variant type: single nucleotide variant.
Coding change: c.655C>T on transcript NM_004804.3 (MANE Select); coding-DNA position 655, C replaced by T.
Protein change: p.Arg219Cys; replaces arginine 219 with cysteine.
Molecular consequence: missense variant.
Genome position (GRCh38, 1-based): chr2:96,268,622, C>T. VCF-style: chr2-96268622-C-T. GRCh37 (hg19) VCF-style: chr2-96934360-C-T.
Other names: short protein forms R219C.
Identifiers: ClinVar variation 2346965 (VCV002346965.4), dbSNP rs747856302, ClinGen allele CA1777589.

ClinVar aggregate classification (germline): Uncertain significance. Review status: criteria provided, multiple submitters, no conflicts (2 of 4 stars). 2 submissions from 2 submitters: Uncertain significance (2). Last evaluated 2026-03-04.

Allele frequency attached by ClinVar (database versions not stated): ExAC 0.00001; gnomAD 0.00001; TOPMed 0.00002.
gnomAD v4.1: 42 of 1,613,988 alleles (0.0026%); highest among the groups gnomAD compares: South Asian, 0.0033%; no homozygotes.

Submissions (2):

GeneDx
Classification: Uncertain significance. Last evaluated: 2026-03-04. Review status: criteria provided, single submitter. Criteria: GeneDx Variant Classification Process June 2021. Collection method: clinical testing. Allele origin: germline.
Comment: In silico analysis supports that this missense variant has a deleterious effect on protein structure/function; Has not been previously published as pathogenic or benign to our knowledge

Ambry Genetics
Classification: Uncertain significance. Last evaluated: 2024-07-30. Review status: criteria provided, single submitter. Criteria: Ambry Variant Classification Scheme 2023. Collection method: clinical testing. Allele origin: germline.